The following is an entry in ClinVar:

ClinVar aggregate classification (germline): Uncertain significance (1 of 4 stars; one submission).

Conditions:
Early-infantile DEE. Also called: Early infantile epileptic encephalopathy; Early infantile epileptic encephalopathy with suppression bursts; Ohtahara syndrome. Identifiers: Orphanet 1934, MedGen C0393706, MONDO:0800491.

Submission:

Labcorp Genetics (formerly Invitae), Labcorp
Classification: Uncertain significance for Early-infantile DEE. Last evaluated: 2023-11-27. Review status: criteria provided, single submitter. Criteria: Invitae Variant Classification Sherloc (09022015). Collection method: clinical testing. Allele origin: germline.
Comment: This sequence change replaces histidine, which is basic and polar, with proline, which is neutral and non-polar, at codon 1705 of the SPTAN1 protein (p.His1705Pro). This variant is not present in population databases (gnomAD no frequency). This variant has not been reported in the literature in individuals affected with SPTAN1-related conditions. Advanced modeling of protein sequence and biophysical properties (such as structural, functional, and spatial information, amino acid conservation, physicochemical variation, residue mobility, and thermodynamic stability) has been performed at Invitae for this missense variant, however the output from this modeling did not meet the statistical confidence thresholds required to predict the impact of this variant on SPTAN1 protein function. In summary, the available evidence is currently insufficient to determine the role of this variant in disease. Therefore, it has been classified as a Variant of Uncertain Significance.

NM_001130438.3(SPTAN1):c.5114A>C (p.His1705Pro)

Gene: SPTAN1 (spectrin alpha, non-erythrocytic 1; plus strand). Cytogenetic location: 9q34.11.
Variant type: single nucleotide variant.
Coding change: c.5114A>C on transcript NM_001130438.3 (MANE Select); coding-DNA position 5114, A replaced by C.
Protein change: p.His1705Pro; replaces histidine 1705 with proline.
Molecular consequence: missense variant.
Genome position (GRCh38, 1-based): chr9:128,613,451, A>C. VCF-style: chr9-128613451-A-C. GRCh37 (hg19) VCF-style: chr9-131375730-A-C.
Other names: c.5039A>C, p.His1680Pro (NM_001195532.2); c.5114A>C, p.His1705Pro (NM_001363759.2, NM_001375310.1, NM_001375311.2 and 1 more transcripts); c.5054A>C, p.His1685Pro (NM_001363765.2, NM_001375314.2); c.5150A>C, p.His1717Pro (NM_001375312.2, NM_001375318.1); c.5099A>C, p.His1700Pro (NM_003127.4); short protein forms H1680P, H1717P, H1700P, H1705P, H1685P.
Identifiers: ClinVar variation 2821031 (VCV002821031.3), dbSNP rs766187559, ClinGen allele CA375072781.